The following is an entry in ClinVar:

NM_004727.3(SLC24A1):c.2609A>G (p.Glu870Gly)

Gene: SLC24A1 (solute carrier family 24 member 1; plus strand). Cytogenetic location: 15q22.31.
Variant type: single nucleotide variant.
Coding change: c.2609A>G on transcript NM_004727.3 (MANE Select); coding-DNA position 2609, A replaced by G.
Protein change: p.Glu870Gly; replaces glutamic acid 870 with glycine.
Molecular consequence: missense variant.
Genome position (GRCh38, 1-based): chr15:65,650,758, A>G. VCF-style: chr15-65650758-A-G. GRCh37 (hg19) VCF-style: chr15-65943096-A-G.
Other names: c.2555A>G, p.Glu852Gly (NM_001301033.2, NM_001301032.1); c.590A>G, p.Glu197Gly (NM_001254740.2); c.2609A>G, p.Glu870Gly (NM_001301031.1); short protein forms E197G, E852G, E870G.
Identifiers: ClinVar variation 1481730 (VCV001481730.6), dbSNP rs1207509178, ClinGen allele CA392899942.
Genomic context (GRCh38, chr15:65,650,758, plus strand): 5'-ATGGAGGGGGAAGTGATGGAGGGGATAGCGAAGAGGAGGAAGAGGAGGAGGAAGAGCAGG[A>G]GGAAGAGGAGGAGGAGGAAGAGCAGGAGGAAGAGGAGGAGGAGGAGGAGGAAGAGGAGGA-3'
Protein context (NP_004718.1, residues 860-880): EEEEEEEEEQ[Glu870Gly]EEEEEEEQEE

ClinVar aggregate classification (germline): Uncertain significance (1 of 4 stars; one submission).

Allele frequency attached by ClinVar (database versions not stated): gnomAD 0.00001; TOPMed 0.00001.

Submission:

Labcorp Genetics (formerly Invitae), Labcorp
Classification: Uncertain significance. Last evaluated: 2022-11-22. Review status: criteria provided, single submitter. Criteria: Invitae Variant Classification Sherloc (09022015). Collection method: clinical testing. Allele origin: germline.
Comment: In summary, the available evidence is currently insufficient to determine the role of this variant in disease. Therefore, it has been classified as a Variant of Uncertain Significance. Algorithms developed to predict the effect of missense changes on protein structure and function output the following: SIFT: "Tolerated"; PolyPhen-2: "Possibly Damaging"; Align-GVGD: "Class C0". The glycine amino acid residue is found in multiple mammalian species, which suggests that this missense change does not adversely affect protein function. ClinVar contains an entry for this variant (Variation ID: 1481730). This variant has not been reported in the literature in individuals affected with SLC24A1-related conditions. This variant is not present in population databases (gnomAD no frequency). This sequence change replaces glutamic acid, which is acidic and polar, with glycine, which is neutral and non-polar, at codon 870 of the SLC24A1 protein (p.Glu870Gly).